The following is an entry in ClinVar:

NM_001035.3(RYR2):c.13588G>A (p.Gly4530Arg)

Gene: RYR2 (ryanodine receptor 2; plus strand). Cytogenetic location: 1q43.
Variant type: single nucleotide variant.
Coding change: c.13588G>A on transcript NM_001035.3 (MANE Select); coding-DNA position 13588, G replaced by A.
Protein change: p.Gly4530Arg; replaces glycine 4530 with arginine.
Molecular consequence: missense variant.
Genome position (GRCh38, 1-based): chr1:237,792,129, G>A. VCF-style: chr1-237792129-G-A. GRCh37 (hg19) VCF-style: chr1-237955429-G-A.
Other names: short protein forms G4530R.
Identifiers: ClinVar variation 2774415 (VCV002774415.2), dbSNP rs2527918817, ClinGen allele CA345417303.

ClinVar aggregate classification (germline): Uncertain significance (1 of 4 stars; one submission).

Conditions:
Cardiomyopathy (CMYO). Also called: Cardiomyopathies. Identifiers: Orphanet 167848, MedGen C0878544, MONDO:0004994, HP:0001638. Inheritance: Various modes of inheritance.

Allele frequency attached by ClinVar (database versions not stated): gnomAD exomes below 0.00001.
gnomAD v4.1: 6 of 1,602,780 alleles (0.00037%); highest among the groups gnomAD compares: Non-Finnish European, 0.00051%; no homozygotes.

Submission:

Color Diagnostics, LLC DBA Color Health
Classification: Uncertain significance for Cardiomyopathy. Last evaluated: 2024-03-06. Review status: criteria provided, single submitter. Criteria: ACMG Guidelines, 2015. Collection method: clinical testing. Allele origin: germline.
Comment: This missense variant replaces glycine with arginine at codon 4530 of the RYR2 protein. Computational prediction suggests that this variant may not impact protein structure and function (internally defined REVEL score threshold <= 0.5, PMID: 27666373). To our knowledge, functional studies have not been reported for this variant. This variant has not been reported in individuals affected with cardiovascular disorders in the literature. This variant has not been identified in the general population by the Genome Aggregation Database (gnomAD). The available evidence is insufficient to determine the role of this variant in disease conclusively. Therefore, this variant is classified as a Variant of Uncertain Significance.